The following is an entry in ClinVar:

NM_000038.6(APC):c.1787C>A (p.Ser596Ter)

Gene: APC (APC regulator of Wnt signaling pathway; plus strand). Cytogenetic location: 5q22.2.
Variant type: single nucleotide variant.
Coding change: c.1787C>A on transcript NM_000038.6 (MANE Select); coding-DNA position 1787, C replaced by A.
Protein change: p.Ser596Ter; replaces serine 596 with a stop codon.
Molecular consequence: nonsense. On other transcripts: non-coding transcript variant (2).
Genome position (GRCh38, 1-based): chr5:112,834,994, C>A. VCF-style: chr5-112834994-C-A. GRCh37 (hg19) VCF-style: chr5-112170691-C-A.
Other names: c.1538C>A, p.Ser513Ter (NM_001407457.1, NM_001407454.1, NM_001407455.1 and 1 more transcripts); c.1484C>A, p.Ser495Ter (NM_001407458.1, NM_001407459.1, NM_001407460.1 and 1 more transcripts); c.1400C>A, p.Ser467Ter (NM_001407467.1, NM_001407469.1); c.938C>A, p.Ser313Ter (NM_001407470.1, NM_001354906.2); c.635C>A, p.Ser212Ter (NM_001407471.1, NM_001407472.1); c.1787C>A, p.Ser596Ter (NM_001127510.3, NM_001354895.2, NM_001407450.1); c.1733C>A, p.Ser578Ter (NM_001127511.3); c.1841C>A, p.Ser614Ter (NM_001354896.2, NM_001407447.1, NM_001407448.1 and 1 more transcripts); and 11 more; short protein forms S212*, S513*, S555*, S568*, S578*, S586*, S467*, S505*.
Identifiers: ClinVar variation 2828310 (VCV002828310.3), dbSNP rs1554083134, ClinGen allele CA16025227.

ClinVar aggregate classification (germline): Pathogenic (1 of 4 stars; one submission).

Conditions:
Familial adenomatous polyposis 1 (FAP1). Also called: FAMILIAL ADENOMATOUS POLYPOSIS 1, ATTENUATED; POLYPOSIS, ADENOMATOUS INTESTINAL. Identifiers: MedGen C2713442, MONDO:0021056, OMIM 175100. Disease mechanism: loss of function.

Submission:

Labcorp Genetics (formerly Invitae), Labcorp
Classification: Pathogenic for Familial adenomatous polyposis 1. Last evaluated: 2023-01-13. Review status: criteria provided, single submitter. Criteria: Invitae Variant Classification Sherloc (09022015). Collection method: clinical testing. Allele origin: germline.
Comment: For these reasons, this variant has been classified as Pathogenic. This premature translational stop signal has been observed in individual(s) with familial adenomatous polyposis (PMID: 15857185). This variant is not present in population databases (gnomAD no frequency). This sequence change creates a premature translational stop signal (p.Ser596*) in the APC gene. It is expected to result in an absent or disrupted protein product. Loss-of-function variants in APC are known to be pathogenic (PMID: 17963004, 20685668).

Literature cited by the submitters: PubMed 15857185; PubMed 17963004; PubMed 20685668.